The following is an entry in ClinVar:

ClinVar aggregate classification (germline): Uncertain significance (1 of 4 stars; one submission).

Conditions:
RYR1-related disorder. Also called: RYR1-related disorders; RYR1-related condition. Identifiers: MedGen CN239331.

Allele frequency attached by ClinVar (database versions not stated): gnomAD 0.00001.
gnomAD v4.1: 1 of 1,607,748 alleles (0.000062%); highest among the groups gnomAD compares: Non-Finnish European, 0.000085%; no homozygotes.

Submission:

Labcorp Genetics (formerly Invitae), Labcorp
Classification: Uncertain significance for RYR1-related disorder. Last evaluated: 2022-07-25. Review status: criteria provided, single submitter. Criteria: Invitae Variant Classification Sherloc (09022015). Collection method: clinical testing. Allele origin: germline.
Comment: In summary, the available evidence is currently insufficient to determine the role of this variant in disease. Therefore, it has been classified as a Variant of Uncertain Significance. Algorithms developed to predict the effect of sequence changes on RNA splicing suggest that this variant may create or strengthen a splice site. Advanced modeling of protein sequence and biophysical properties (such as structural, functional, and spatial information, amino acid conservation, physicochemical variation, residue mobility, and thermodynamic stability) performed at Invitae indicates that this missense variant is not expected to disrupt RYR1 protein function. ClinVar contains an entry for this variant (Variation ID: 847386). This variant has not been reported in the literature in individuals affected with RYR1-related conditions. This variant is present in population databases (no rsID available, gnomAD 0.007%). This sequence change replaces methionine, which is neutral and non-polar, with valine, which is neutral and non-polar, at codon 4206 of the RYR1 protein (p.Met4206Val).

NM_000540.3(RYR1):c.12616A>G (p.Met4206Val)

Gene: RYR1 (ryanodine receptor 1; plus strand). Cytogenetic location: 19q13.2.
Variant type: single nucleotide variant.
Coding change: c.12616A>G on transcript NM_000540.3 (MANE Select); coding-DNA position 12616, A replaced by G.
Protein change: p.Met4206Val; replaces methionine 4206 with valine.
Molecular consequence: missense variant.
Genome position (GRCh38, 1-based): chr19:38,561,446, A>G. VCF-style: chr19-38561446-A-G. GRCh37 (hg19) VCF-style: chr19-39052086-A-G.
Other names: c.12601A>G, p.Met4201Val (NM_001042723.2); short protein forms M4201V, M4206V.
Identifiers: ClinVar variation 847386 (VCV000847386.9), dbSNP rs1253965850, ClinGen allele CA405669944.